The following is an entry in ClinVar:

ClinVar aggregate classification (germline): Conflicting classifications of pathogenicity. Review status: criteria provided, conflicting classifications (1 of 4 stars). 7 submissions from 7 submitters: Uncertain significance (5); Likely benign (1). 1 of the submissions does not count toward it. Last evaluated 2025-11-19.

Conditions:
Hereditary cancer-predisposing syndrome. Also called: Hereditary neoplastic syndrome; Hereditary Cancer Syndrome; Neoplastic Syndromes, Hereditary; Tumor predisposition. Identifiers: Orphanet 140162, MedGen C0027672, MeSH D009386, MONDO:0015356.
Familial cancer of breast. Also called: hereditary breast carcinoma; Hereditary breast cancer; BREAST CANCER, FAMILIAL. Identifiers: Orphanet 227535, MedGen C0346153, MONDO:0016419, OMIM 114480. Disease mechanism: loss of function.
Ataxia-telangiectasia syndrome (AT). Also called: Ataxia-telangiectasia, complementation group D; Cerebello-oculocutaneous telangiectasia; Immunodeficiency with ataxia telangiectasia; ATAXIA-TELANGIECTASIA, COMPLEMENTATION GROUP A; ATAXIA-TELANGIECTASIA, FRESNO VARIANT; LOUIS-BAR SYNDROME. Identifiers: Orphanet 100, MedGen C0004135, MONDO:0008840, OMIM 208900.

Allele frequency attached by ClinVar (database versions not stated): gnomAD exomes below 0.00001; ExAC 0.00001.
gnomAD v4.1: 2 of 1,609,712 alleles (0.00012%); highest among the groups gnomAD compares: Non-Finnish European, 0.000085%; no homozygotes.

Submissions (7):

Color Diagnostics, LLC DBA Color Health
Classification: Uncertain significance for Hereditary cancer-predisposing syndrome. Last evaluated: 2025-11-19. Review status: criteria provided, single submitter. Criteria: ACMG Guidelines, 2015. Collection method: clinical testing. Allele origin: germline.
Comment: This missense variant replaces glutamine with lysine at codon 180 of the ATM protein. Computational prediction suggests that this variant may not impact protein structure and function. To our knowledge, functional studies have not been reported for this variant. This variant has not been reported in individuals affected with ATM-related disorders in the literature. This variant has been identified in 2/1609712 chromosomes in the general population by the Genome Aggregation Database (gnomAD). The available evidence is insufficient to determine the role of this variant in disease conclusively. Therefore, this variant is classified as a Variant of Uncertain Significance.

GeneDx
Classification: Uncertain significance. Last evaluated: 2025-10-21. Review status: criteria provided, single submitter. Criteria: GeneDx Variant Classification Process June 2021. Collection method: clinical testing. Allele origin: germline. Affected: yes.
Comment: Reported as a variant of uncertain significance in a proband with cytopenia (PMID: 38103590); Not observed at significant frequency in large population cohorts (gnomAD); In silico analysis suggests that this missense variant does not alter protein structure/function; This variant is associated with the following publications: (PMID: 38103590)

Ambry Genetics
Classification: Likely benign for Hereditary cancer-predisposing syndrome. Last evaluated: 2025-10-16. Review status: criteria provided, single submitter. Criteria: Ambry Variant Classification Scheme 2023. Collection method: clinical testing. Allele origin: germline.

Labcorp Genetics (formerly Invitae), Labcorp
Classification: Uncertain significance for Ataxia-telangiectasia syndrome. Last evaluated: 2025-01-22. Review status: criteria provided, single submitter. Criteria: Invitae Variant Classification Sherloc (09022015). Collection method: clinical testing. Allele origin: germline.
Comment: This sequence change replaces glutamine, which is neutral and polar, with lysine, which is basic and polar, at codon 180 of the ATM protein (p.Gln180Lys). This variant is present in population databases (rs730881333, gnomAD 0.0009%). This variant has not been reported in the literature in individuals affected with ATM-related conditions. ClinVar contains an entry for this variant (Variation ID: 418960). Invitae Evidence Modeling of protein sequence and biophysical properties (such as structural, functional, and spatial information, amino acid conservation, physicochemical variation, residue mobility, and thermodynamic stability) indicates that this missense variant is not expected to disrupt ATM protein function with a negative predictive value of 95%. In summary, the available evidence is currently insufficient to determine the role of this variant in disease. Therefore, it has been classified as a Variant of Uncertain Significance.

Baylor Genetics
Classification: Uncertain significance for Familial cancer of breast. Last evaluated: 2023-08-15. Review status: criteria provided, single submitter. Criteria: ACMG Guidelines, 2015. Collection method: clinical testing. Allele origin: unknown.

Sema4
Classification: Uncertain significance for Hereditary cancer-predisposing syndrome. Last evaluated: 2022-02-04. Review status: criteria provided, single submitter. Criteria: Sema4 Curation Guidelines. Collection method: curation. Allele origin: germline.
Comment: The ATM c.538C>A (p.Q180K) variant has not been reported in the literature to our knowledge. It was observed in 1/110436 chromosomes of the Non-Finnish European subpopulation in the large and broad cohorts of the Genome Aggregation Database (PMID: 32461654). This variant has been reported in ClinVar (Variation ID 418960). In silico tools suggest the impact of the variant on protein function is benign, though these predictions have not been confirmed by functional studies. The evidence is insufficient to meet ACMG/AMP criteria for classifying the variant as benign or pathogenic. Thus, the clinical significance of this variant is currently uncertain.

Natera, Inc.
Classification: Uncertain significance for Ataxia-telangiectasia. Last evaluated: 2020-09-28. Review status: no assertion criteria provided. Collection method: clinical testing. Allele origin: germline. Not counted in ClinVar's aggregate classification.

NM_000051.4(ATM):c.538C>A (p.Gln180Lys)

Gene: ATM (ATM serine/threonine kinase; plus strand). Cytogenetic location: 11q22.3.
Variant type: single nucleotide variant.
Coding change: c.538C>A on transcript NM_000051.4 (MANE Select); coding-DNA position 538, C replaced by A.
Protein change: p.Gln180Lys; replaces glutamine 180 with lysine.
Molecular consequence: missense variant.
Genome position (GRCh38, 1-based): chr11:108,243,994, C>A. VCF-style: chr11-108243994-C-A. GRCh37 (hg19) VCF-style: chr11-108114721-C-A.
Other names: c.538C>A, p.Gln180Lys (NM_001351834.2); short protein forms Q180K.
Identifiers: ClinVar variation 418960 (VCV000418960.29), dbSNP rs730881333, ClinGen allele CA6264628.